The following is an entry in ClinVar:

NM_001267550.2(TTN):c.101637T>C (p.His33879=)

Genes: TTN (titin; minus strand), TTN-AS1 (TTN antisense RNA 1; plus strand). Cytogenetic location: 2q31.2.
Variant type: single nucleotide variant.
Coding change: c.101637T>C on transcript NM_001267550.2 (MANE Select); coding-DNA position 101637, T replaced by C.
Protein change: p.His33879=; no amino-acid change (histidine 33879 retained).
Molecular consequence: synonymous variant.
Genome position (GRCh38, 1-based): chr2:178,534,978, A>G on the plus strand (T>C on the coding strand, the complement: TTN is on the minus strand). VCF-style: chr2-178534978-A-G. GRCh37 (hg19) VCF-style: chr2-179399705-A-G.
Other names: c.96714T>C, p.His32238= (NM_001256850.1); c.74442T>C, p.His24814= (NM_003319.4); c.93933T>C, p.His31311= (NM_133378.4); c.74817T>C, p.His24939= (NM_133432.3); c.75018T>C, p.His25006= (NM_133437.4).
Identifiers: ClinVar variation 381367 (VCV000381367.16), dbSNP rs373461875, ClinGen allele CA1985858.

ClinVar aggregate classification (germline): Likely benign. Review status: criteria provided, multiple submitters, no conflicts (2 of 4 stars). 5 submissions from 5 submitters: Likely benign (5). Last evaluated 2025-12-27.

Conditions:
TTN-related disorder. Also called: TTN-related disorders; TTN-related condition; TTN-related disease.
Autosomal recessive limb-girdle muscular dystrophy type 2J (LGMDR10). Also called: Limb-girdle muscular dystrophy, type 2J; MUSCULAR DYSTROPHY, LIMB-GIRDLE, AUTOSOMAL RECESSIVE 10. Identifiers: Orphanet 140922, MedGen C1837342, MONDO:0012127, OMIM 608807.
Dilated cardiomyopathy 1G (CMD1G). Identifiers: Orphanet 154, MedGen C1858763, MONDO:0011400, OMIM 604145.
Cardiovascular phenotype. Identifiers: MedGen CN230736.

Allele frequency attached by ClinVar (database versions not stated): gnomAD exomes 0.00002 and 0.00005; gnomAD 0.00006 and 0.00007; TOPMed 0.00006; ExAC 0.00007; ESP Exome Variant Server 0.00017; 1000 Genomes Project 0.00040; 1000 Genomes Project 30x 0.00047.
gnomAD v4.1: 35 of 1,613,514 alleles (0.0022%); highest among the groups gnomAD compares: African/African-American, 0.037%; no homozygotes.

Submissions (5):

Labcorp Genetics (formerly Invitae), Labcorp
Classification: Likely benign for Dilated cardiomyopathy 1G; Autosomal recessive limb-girdle muscular dystrophy type 2J. Last evaluated: 2025-12-27. Review status: criteria provided, single submitter. Criteria: Invitae Variant Classification Sherloc (09022015). Collection method: clinical testing. Allele origin: germline.

PreventionGenetics, part of Exact Sciences
Classification: Likely benign for TTN-related condition. Last evaluated: 2025-12-11. Review status: criteria provided, single submitter. Criteria: ACMG Guidelines, 2015. Collection method: clinical testing. Allele origin: germline.
Comment: This variant is classified as likely benign based on ACMG/AMP sequence variant interpretation guidelines (Richards et al. 2015 PMID: 25741868, with internal and published modifications).

Molecular Diagnostic Laboratory for Inherited Cardiovascular Disease, Montreal Heart Institute
Classification: Likely benign. Last evaluated: 2025-04-09. Review status: criteria provided, single submitter. Criteria: ACMG Guidelines, 2015. Collection method: clinical testing. Allele origin: germline. Affected: no.
Comment: BP6;BP7

Ambry Genetics
Classification: Likely benign for Cardiovascular phenotype. Last evaluated: 2019-05-09. Review status: criteria provided, single submitter. Criteria: Ambry Variant Classification Scheme 2023. Collection method: clinical testing. Allele origin: germline.

GeneDx
Classification: Likely benign. Last evaluated: 2015-11-12. Review status: criteria provided, single submitter. Criteria: GeneDx Variant Classification (06012015). Collection method: clinical testing. Allele origin: germline. Affected: yes.
Comment: This variant is considered likely benign or benign based on one or more of the following criteria: it is a conservative change, it occurs at a poorly conserved position in the protein, it is predicted to be benign by multiple in silico algorithms, and/or has population frequency not consistent with disease.